The following is an entry in ClinVar:

NM_006996.3(SLC19A2):c.1214C>G (p.Thr405Arg)

Gene: SLC19A2 (solute carrier family 19 member 2; minus strand). Cytogenetic location: 1q24.2.
Variant type: single nucleotide variant.
Coding change: c.1214C>G on transcript NM_006996.3 (MANE Select); coding-DNA position 1214, C replaced by G.
Protein change: p.Thr405Arg; replaces threonine 405 with arginine.
Molecular consequence: missense variant.
Genome position (GRCh38, 1-based): chr1:169,468,653, G>C on the plus strand (C>G on the coding strand, the complement: SLC19A2 is on the minus strand). VCF-style: chr1-169468653-G-C. GRCh37 (hg19) VCF-style: chr1-169437891-G-C.
Other names: c.611C>G, p.Thr204Arg (NM_001319667.1); short protein forms T204R, T405R.
Identifiers: ClinVar variation 2873380 (VCV002873380.3), dbSNP rs554433074, ClinGen allele CA1232898.

ClinVar aggregate classification (germline): Likely pathogenic (1 of 4 stars; one submission).

Allele frequency attached by ClinVar (database versions not stated): 1000 Genomes Project 30x 0.00016; 1000 Genomes Project 0.00020.
gnomAD v4.1: 1 of 1,613,304 alleles (0.000062%); highest among the groups gnomAD compares: African/African-American, 0.0013%; no homozygotes.

Submission:

Labcorp Genetics (formerly Invitae), Labcorp
Classification: Likely pathogenic. Last evaluated: 2023-09-05. Review status: criteria provided, single submitter. Criteria: Invitae Variant Classification Sherloc (09022015). Collection method: clinical testing. Allele origin: germline.
Comment: In summary, the currently available evidence indicates that the variant is pathogenic, but additional data are needed to prove that conclusively. Therefore, this variant has been classified as Likely Pathogenic. Advanced modeling of protein sequence and biophysical properties (such as structural, functional, and spatial information, amino acid conservation, physicochemical variation, residue mobility, and thermodynamic stability) performed at Invitae indicates that this missense variant is expected to disrupt SLC19A2 protein function. This missense change has been observed in individual(s) with thiamine-responsive megaloblastic anemia (PMID: 35990029). In at least one individual the data is consistent with being in trans (on the opposite chromosome) from a pathogenic variant. It has also been observed to segregate with disease in related individuals. This variant is present in population databases (rs554433074, gnomAD 0.007%). This sequence change replaces threonine, which is neutral and polar, with arginine, which is basic and polar, at codon 405 of the SLC19A2 protein (p.Thr405Arg).

Literature cited by the submitters: PubMed 35990029.